The following is an entry in ClinVar:

NM_001273.5(CHD4):c.928A>G (p.Ser310Gly)

Gene: CHD4 (chromodomain helicase DNA binding protein 4; minus strand). Cytogenetic location: 12p13.31.
Variant type: single nucleotide variant.
Coding change: c.928A>G on transcript NM_001273.5 (MANE Select); coding-DNA position 928, A replaced by G.
Protein change: p.Ser310Gly; replaces serine 310 with glycine.
Molecular consequence: missense variant.
Genome position (GRCh38, 1-based): chr12:6,600,669, T>C on the plus strand (A>G on the coding strand, the complement: CHD4 is on the minus strand). VCF-style: chr12-6600669-T-C. GRCh37 (hg19) VCF-style: chr12-6709835-T-C.
Other names: c.907A>G, p.Ser303Gly (NM_001297553.2); c.928A>G, p.Ser310Gly (NM_001363606.2); short protein forms S303G, S310G.
Identifiers: ClinVar variation 3346975 (VCV003346975.1).

ClinVar aggregate classification (germline): Uncertain significance (0 of 4 stars; one submission).

Conditions:
CHD4-related disorder. Also called: CHD4-related condition.

Submission:

PreventionGenetics, part of Exact Sciences
Classification: Uncertain significance for CHD4-related condition. Last evaluated: 2024-08-14. Review status: no assertion criteria provided. Collection method: clinical testing. Allele origin: germline.
Comment: The CHD4 c.928A>G variant is predicted to result in the amino acid substitution p.Ser310Gly. To our knowledge, this variant has not been reported in the literature or in a large population database, indicating this variant is rare. At this time, the clinical significance of this variant is uncertain due to the absence of conclusive functional and genetic evidence.